The following is an entry in ClinVar:

ClinVar aggregate classification (germline): Benign/Likely benign. Review status: criteria provided, multiple submitters, no conflicts (2 of 4 stars). 3 submissions from 3 submitters: Benign (2); Likely benign (1). Last evaluated 2021-05-10.

Conditions:
Autosomal recessive ataxia due to ubiquinone deficiency. Also called: SPINOCEREBELLAR ATAXIA, AUTOSOMAL RECESSIVE 9; Coenzyme Q10 deficiency, primary, 4. Identifiers: Orphanet 139485, MedGen C2677589, MONDO:0012784, OMIM 612016.

Allele frequency attached by ClinVar (database versions not stated): gnomAD exomes 0.04891; gnomAD 0.06118 and 0.06367; TOPMed 0.06881; 1000 Genomes Project 30x 0.09135; 1000 Genomes Project 0.09445.
gnomAD v4.1: 9,676 of 152,886 alleles (6.3%); highest among the groups gnomAD compares: East Asian, 25%; 498 homozygotes.

Submissions (3):

GeneDx
Classification: Benign. Last evaluated: 2021-05-10. Review status: criteria provided, single submitter. Criteria: GeneDx Variant Classification Process June 2021. Collection method: clinical testing. Allele origin: germline. Affected: yes.

Illumina Laboratory Services, Illumina
Classification: Benign for Autosomal recessive ataxia due to ubiquinone deficiency. Last evaluated: 2018-01-12. Review status: criteria provided, single submitter. Criteria: ICSL Variant Classification Criteria 13 December 2019. Collection method: clinical testing. Allele origin: germline.
Comment: This variant was observed in the ICSL laboratory as part of a predisposition screen in an ostensibly healthy population. It had not been previously curated by ICSL or reported in the Human Gene Mutation Database (HGMD: prior to June 1st, 2018), and was therefore a candidate for classification through an automated scoring system. Utilizing variant allele frequency, disease prevalence and penetrance estimates, and inheritance mode, an automated score was calculated to assess if this variant is too frequent to cause the disease. Based on the score and internal cut-off values, a variant classified as benign is not then subjected to further curation. The score for this variant resulted in a classification of benign for this disease.

Breakthrough Genomics
Classification: Likely benign. Review status: criteria provided, single submitter. Criteria: ACMG Guidelines, 2015. Collection method: not provided. Allele origin: germline. Inheritance: Autosomal recessive inheritance. Affected: yes.

NM_020247.5(COQ8A):c.*681G>A

Gene: COQ8A (coenzyme Q8A; plus strand). Cytogenetic location: 1q42.13.
Variant type: single nucleotide variant.
Coding change: c.*681G>A on transcript NM_020247.5 (MANE Select); 681 bases downstream of the stop codon, G replaced by A.
Molecular consequence: 3 prime UTR variant.
Genome position (GRCh38, 1-based): chr1:226,987,418, G>A. VCF-style: chr1-226987418-G-A. GRCh37 (hg19) VCF-style: chr1-227175119-G-A.
Identifiers: ClinVar variation 296045 (VCV000296045.8), dbSNP rs10482, ClinGen allele CA10610288.